The following is an entry in ClinVar:

NM_001164508.2(NEB):c.19182_19183insCTGTCTCTTATACACATCT (p.Asn6395delinsLeuSerLeuIleHisIleTer)

Gene: NEB (nebulin; minus strand). Cytogenetic location: 2q23.3.
Variant type: Insertion.
Coding change: c.19182_19183insCTGTCTCTTATACACATCT on transcript NM_001164508.2 (MANE Select); coding-DNA positions 19182 to 19183, CTGTCTCTTATACACATCT inserted.
Protein change: p.Asn6395delinsLeuSerLeuIleHisIleTer.
Molecular consequence: nonsense.
Genome position: GRCh38 VCF-style: chr2-151561027-T-TAGATGTGTATAAGAGACAG. GRCh37 (hg19) VCF-style: chr2-152417541-T-TAGATGTGTATAAGAGACAG.
Other names: c.19182_19183insCTGTCTCTTATACACATCT, p.Asn6395delinsLeuSerLeuIleHisIleTer (NM_001164507.2, NM_001271208.2); c.14079_14080insCTGTCTCTTATACACATCT, p.Asn4694delinsLeuSerLeuIleHisIleTer (NM_004543.5).
Identifiers: ClinVar variation 5011611 (VCV005011611.1).

ClinVar aggregate classification (germline): Pathogenic (1 of 4 stars; one submission).

Conditions:
Nemaline myopathy 2 (NEM2). Also called: Nemaline myopathy 2, autosomal recessive. Identifiers: MedGen C1850569, MONDO:0009725, OMIM 256030.

Submission:

Myriad Genetics, Inc.
Classification: Pathogenic for Nemaline myopathy 2. Last evaluated: 2023-09-09. Review status: criteria provided, single submitter. Criteria: Myriad Autosomal Dominant, Autosomal Recessive and X-Linked Classification Criteria (2023). Collection method: clinical testing. Allele origin: unknown.
Comment: NM_001271208.1(NEB):c.19182_19183ins19(N6395Lfs*7) is expected to be pathogenic in the context of NEB-related nemaline myopathy. This variant is predicted to lead to an abnormal or absent protein product due to the creation of a premature termination codon in NEB, a gene where loss-of-function variants are known to be pathogenic. Please note: this variant was assessed in the context of healthy population screening.